The following is an entry in ClinVar:

NM_006231.4(POLE):c.6100_6101dup (p.Gln2035fs)

Gene: POLE (DNA polymerase epsilon, catalytic subunit; minus strand). Cytogenetic location: 12q24.33.
Variant type: Microsatellite.
Coding change: c.6100_6101dup on transcript NM_006231.4 (MANE Select); coding-DNA positions 6100 to 6101, 2 bases duplicated (TC; older notation c.6100_6101dupTC).
Protein change: p.Gln2035fs; shifts the reading frame from glutamine 2035.
Molecular consequence: frameshift variant.
Genome position (GRCh38, 1-based): chr12:132,632,699-132,632,700, GA duplicated on the plus strand (TC on the coding strand, the reverse complement: POLE is on the minus strand); duplicating any 2 consecutive bases within chr12:132,632,699-132,632,703 gives the same sequence; the c. name uses the placement nearest the transcript's 3' end. VCF-style (leftmost placement, unchanged base first): chr12-132632698-G-GGA. GRCh37 (hg19) VCF-style: chr12-133209284-G-GGA.
Other names: c.6100_6101dup (NM_006231.3); short protein forms Q2035fs.
Identifiers: ClinVar variation 663223 (VCV000663223.10), dbSNP rs1593708851, ClinGen allele CA915946795.

ClinVar aggregate classification (germline): Pathogenic (1 of 4 stars; one submission).

Submission:

Labcorp Genetics (formerly Invitae), Labcorp
Classification: Pathogenic. Last evaluated: 2022-06-09. Review status: criteria provided, single submitter. Criteria: Invitae Variant Classification Sherloc (09022015). Collection method: clinical testing. Allele origin: germline.
Comment: For these reasons, this variant has been classified as Pathogenic. ClinVar contains an entry for this variant (Variation ID: 663223). This variant has not been reported in the literature in individuals affected with POLE-related conditions. This variant is not present in population databases (gnomAD no frequency). This sequence change creates a premature translational stop signal (p.Gln2035Profs*14) in the POLE gene. It is expected to result in an absent or disrupted protein product. Loss-of-function variants in POLE are known to be pathogenic (PMID: 23230001, 25948378, 30503519).

Literature cited by the submitters: PubMed 23230001; PubMed 25948378; PubMed 30503519.